The following is an entry in ClinVar:

NM_000455.5(STK11):c.423C>A (p.Asp141Glu)

Gene: STK11 (serine/threonine kinase 11; plus strand). Cytogenetic location: 19p13.3.
Variant type: single nucleotide variant.
Coding change: c.423C>A on transcript NM_000455.5 (MANE Select); coding-DNA position 423, C replaced by A.
Protein change: p.Asp141Glu; replaces aspartic acid 141 with glutamic acid.
Molecular consequence: missense variant. On other transcripts: non-coding transcript variant (1).
Genome position (GRCh38, 1-based): chr19:1,219,372, C>A. VCF-style: chr19-1219372-C-A. GRCh37 (hg19) VCF-style: chr19-1219371-C-A.
Other names: c.423C>A, p.Asp141Glu (NM_001407255.1); short protein forms D141E.
Identifiers: ClinVar variation 3963266 (VCV003963266.1).
Genomic context (GRCh38, chr19:1,219,372, plus strand): 5'-TTAGCGCCCCACGTATATGGTGATGGAGTACTGCGTGTGTGGCATGCAGGAAATGCTGGA[C>A]AGCGTGCCGGAGAAGCGTTTCCCAGTGTGCCAGGCCCACGGGTGCGTGCGCGGGGCAGGG-3'
Protein context (NP_000446.1, residues 131-151): YCVCGMQEML[Asp141Glu]SVPEKRFPVC

ClinVar aggregate classification (germline): Uncertain significance (1 of 4 stars; one submission).

Conditions:
Hereditary cancer-predisposing syndrome. Also called: Tumor predisposition; Hereditary neoplastic syndrome; Hereditary Cancer Syndrome; Neoplastic Syndromes, Hereditary. Identifiers: Orphanet 140162, MedGen C0027672, MeSH D009386, MONDO:0015356.

Submission:

Ambry Genetics
Classification: Uncertain significance for Hereditary cancer-predisposing syndrome. Last evaluated: 2025-04-23. Review status: criteria provided, single submitter. Criteria: Ambry Variant Classification Scheme 2023. Collection method: clinical testing. Allele origin: germline.
Comment: The p.D141E variant (also known as c.423C>A), located in coding exon 3 of the STK11 gene, results from a C to A substitution at nucleotide position 423. The aspartic acid at codon 141 is replaced by glutamic acid, an amino acid with highly similar properties. This amino acid position is conserved. In addition, the in silico prediction for this alteration is inconclusive. Based on the available evidence, the clinical significance of this variant remains unclear.